The following is an entry in ClinVar:

NM_000492.4(CFTR):c.1542A>C (p.Glu514Asp)

Genes: CFTR (CF transmembrane conductance regulator; plus strand), CFTR-AS1 (CFTR antisense RNA 1; minus strand). Cytogenetic location: 7q31.2.
Variant type: single nucleotide variant.
Coding change: c.1542A>C on transcript NM_000492.4 (MANE Select); coding-DNA position 1542, A replaced by C.
Protein change: p.Glu514Asp; replaces glutamic acid 514 with aspartic acid.
Molecular consequence: missense variant.
Genome position (GRCh38, 1-based): chr7:117,559,613, A>C. VCF-style: chr7-117559613-A-C. GRCh37 (hg19) VCF-style: chr7-117199667-A-C.
Other names: short protein forms E514D.
Identifiers: ClinVar variation 1774865 (VCV001774865.4), dbSNP rs781680305, ClinGen allele CA164967800.

ClinVar aggregate classification (germline): Uncertain significance. Review status: criteria provided, multiple submitters, no conflicts (2 of 4 stars). 3 submissions from 3 submitters: Uncertain significance (3). Last evaluated 2025-02-03.

Conditions:
Cystic fibrosis (CF). Also called: MUCOVISCIDOSIS. Identifiers: Orphanet 586, MedGen C0010674, MONDO:0009061, OMIM 219700. Disease mechanism: loss of function.

gnomAD v4.1: 20 of 1,613,378 alleles (0.0012%); highest among the groups gnomAD compares: Non-Finnish European, 0.0017%; no homozygotes.

Submissions (3):

GeneDx
Classification: Uncertain significance. Last evaluated: 2025-02-03. Review status: criteria provided, single submitter. Criteria: GeneDx Variant Classification Process June 2021. Collection method: clinical testing. Allele origin: germline. Affected: yes.
Comment: Not observed at significant frequency in large population cohorts (gnomAD); In silico analysis indicates that this missense variant does not alter protein structure/function; Has not been previously published as pathogenic or benign to our knowledge

Women's Health and Genetics/Laboratory Corporation of America, LabCorp
Classification: Uncertain significance. Last evaluated: 2024-12-20. Review status: criteria provided, single submitter. Criteria: LabCorp Variant Classification Summary - May 2015. Collection method: clinical testing. Allele origin: germline.

Ambry Genetics
Classification: Uncertain significance for Cystic fibrosis. Last evaluated: 2022-05-17. Review status: criteria provided, single submitter. Criteria: Ambry Variant Classification Scheme 2023. Collection method: clinical testing. Allele origin: germline.
Comment: The p.E514D variant (also known as c.1542A>C), located in coding exon 11 of the CFTR gene, results from an A to C substitution at nucleotide position 1542. The glutamic acid at codon 514 is replaced by aspartic acid, an amino acid with highly similar properties. This amino acid position is highly conserved in available vertebrate species. In addition, the in silico prediction for this alteration is inconclusive. Since supporting evidence is limited at this time, the clinical significance of this alteration remains unclear.